The following is an entry in ClinVar:

ClinVar aggregate classification (germline): Conflicting classifications of pathogenicity. Review status: criteria provided, conflicting classifications (1 of 4 stars). 4 submissions from 4 submitters: Uncertain significance (3); Likely benign (1). Last evaluated 2026-03-12.

Conditions:
CTNNA1-related disorder. Also called: CTNNA1-related condition.
Hereditary cancer-predisposing syndrome. Also called: Tumor predisposition; Hereditary neoplastic syndrome; Hereditary Cancer Syndrome; Neoplastic Syndromes, Hereditary. Identifiers: Orphanet 140162, MedGen C0027672, MeSH D009386, MONDO:0015356.

Allele frequency attached by ClinVar (database versions not stated): gnomAD exomes 0.00001 and 0.00002; ExAC 0.00002; gnomAD 0.00003.
gnomAD v4.1: 22 of 1,614,194 alleles (0.0014%); highest among the groups gnomAD compares: South Asian, 0.0055%; no homozygotes.

Submissions (4):

PreventionGenetics, part of Exact Sciences
Classification: Uncertain significance for CTNNA1-related condition. Last evaluated: 2026-03-12. Review status: criteria provided, single submitter. Criteria: ACMG Guidelines, 2015. Collection method: clinical testing. Allele origin: germline.
Comment: The CTNNA1 c.1487G>A variant is predicted to result in the amino acid substitution p.Arg496His. This variant has been reported with uncertain significance in a study of individuals with gastric or breast cancer, however additional clinical information was not provided (Supplemental Table 1, Clark et al. 2020. PubMed ID: 32051609). This variant is reported in 0.0098% of alleles in individuals of South Asian descent in gnomAD and has conflicting interpretations in ClinVar, ranging from uncertain to likely benign (Variation ID: 665004). At this time, the clinical significance of this variant is uncertain due to the absence of conclusive functional and genetic evidence.

Labcorp Genetics (formerly Invitae), Labcorp
Classification: Uncertain significance. Last evaluated: 2025-08-30. Review status: criteria provided, single submitter. Criteria: Invitae Variant Classification Sherloc (09022015). Collection method: clinical testing. Allele origin: germline.
Comment: This sequence change replaces arginine, which is basic and polar, with histidine, which is basic and polar, at codon 496 of the CTNNA1 protein (p.Arg496His). This variant is present in population databases (rs778497800, gnomAD 0.01%). This variant has not been reported in the literature in individuals affected with CTNNA1-related conditions. ClinVar contains an entry for this variant (Variation ID: 665004). An algorithm developed to predict the effect of missense changes on protein structure and function (PolyPhen-2) suggests that this variant is likely to be tolerated. In summary, the available evidence is currently insufficient to determine the role of this variant in disease. Therefore, it has been classified as a Variant of Uncertain Significance.

Blueprint Genetics
Classification: Uncertain significance. Last evaluated: 2023-09-08. Review status: criteria provided, single submitter. Criteria: ACMG Guidelines, 2015. Collection method: clinical testing. Allele origin: germline.

Ambry Genetics
Classification: Likely benign for Hereditary cancer-predisposing syndrome. Last evaluated: 2023-04-27. Review status: criteria provided, single submitter. Criteria: Ambry Variant Classification Scheme 2023. Collection method: clinical testing. Allele origin: germline.

NM_001903.5(CTNNA1):c.1487G>A (p.Arg496His)

Gene: CTNNA1 (catenin alpha 1; plus strand). Cytogenetic location: 5q31.2.
Variant type: single nucleotide variant.
Coding change: c.1487G>A on transcript NM_001903.5 (MANE Select); coding-DNA position 1487, G replaced by A.
Protein change: p.Arg496His; replaces arginine 496 with histidine.
Molecular consequence: missense variant.
Genome position (GRCh38, 1-based): chr5:138,917,839, G>A. VCF-style: chr5-138917839-G-A. GRCh37 (hg19) VCF-style: chr5-138253528-G-A.
Other names: c.1487G>A, p.Arg496His (NM_001323984.2, NM_001323985.2, NM_001290307.3 and 2 more transcripts); c.1394G>A, p.Arg465His (NM_001323986.2); c.377G>A, p.Arg126His (NM_001323987.1, NM_001323988.1, NM_001323989.1 and 17 more transcripts); c.38G>A, p.Arg13His (NM_001324006.1, NM_001324007.1, NM_001324008.1 and 2 more transcripts); c.284G>A, p.Arg95His (NM_001324011.1); c.134G>A, p.Arg45His (NM_001324012.1, NM_001324013.1); c.1487G>A (NM_001903.4, NM_001903.2); c.1178G>A, p.Arg393His (NM_001290309.3); and 1 more; short protein forms R126H, R373H, R465H, R95H, R13H, R393H, R45H, R496H.
Identifiers: ClinVar variation 665004 (VCV000665004.14), dbSNP rs778497800, ClinGen allele CA3431961.